The following is an entry in ClinVar:

NM_005428.4(VAV1):c.1468G>C (p.Glu490Gln)

Gene: VAV1 (vav guanine nucleotide exchange factor 1; plus strand). Cytogenetic location: 19p13.3.
Variant type: single nucleotide variant.
Coding change: c.1468G>C on transcript NM_005428.4 (MANE Select); coding-DNA position 1468, G replaced by C.
Protein change: p.Glu490Gln; replaces glutamic acid 490 with glutamine.
Molecular consequence: missense variant.
Genome position (GRCh38, 1-based): chr19:6,832,160, G>C. VCF-style: chr19-6832160-G-C. GRCh37 (hg19) VCF-style: chr19-6832171-G-C.
Other names: c.1468G>C, p.Glu490Gln (NM_001258206.2); c.1372G>C, p.Glu458Gln (NM_001258207.2); short protein forms E490Q, E458Q.
Identifiers: ClinVar variation 2002843 (VCV002002843.4), dbSNP rs1297726249, ClinGen allele CA403626291.
Genomic context (GRCh38, chr19:6,832,160, plus strand): 5'-ATGTTCCTCCTGATCGAGGACCAAGGTGCCCAGGGCTATGAGCTGTTCTTCAAGACAAGA[G>C]AATTGAAGAAGAAGTGGATGGAGCAGTTTGAGATGGCCATGTGAGTCCCCGTCTTCCTCC-3'
Protein context (NP_005419.2, residues 480-500): QGYELFFKTR[Glu490Gln]LKKKWMEQFE

ClinVar aggregate classification (germline): Uncertain significance (1 of 4 stars; one submission).

Allele frequency attached by ClinVar (database versions not stated): gnomAD 0.00001.
gnomAD v4.1: 1 of 1,614,020 alleles (0.000062%); highest among the groups gnomAD compares: African/African-American, 0.0013%; no homozygotes.

Submission:

Labcorp Genetics (formerly Invitae), Labcorp
Classification: Uncertain significance. Last evaluated: 2023-10-13. Review status: criteria provided, single submitter. Criteria: Invitae Variant Classification Sherloc (09022015). Collection method: clinical testing. Allele origin: germline.
Comment: This sequence change replaces glutamic acid, which is acidic and polar, with glutamine, which is neutral and polar, at codon 490 of the VAV1 protein (p.Glu490Gln). This variant is present in population databases (no rsID available, gnomAD 0.01%). This variant has not been reported in the literature in individuals affected with VAV1-related conditions. ClinVar contains an entry for this variant (Variation ID: 2002843). An algorithm developed to predict the effect of missense changes on protein structure and function (PolyPhen-2) suggests that this variant is likely to be tolerated. In summary, the available evidence is currently insufficient to determine the role of this variant in disease. Therefore, it has been classified as a Variant of Uncertain Significance.